The following is an entry in ClinVar:

ClinVar aggregate classification (germline): Pathogenic/Likely pathogenic. Review status: criteria provided, multiple submitters, no conflicts (2 of 4 stars). 4 submissions from 4 submitters: Pathogenic (3); Likely pathogenic (1). Last evaluated 2026-03-12.

Conditions:
Gabriele de Vries syndrome. Identifiers: Orphanet 506358, MedGen C4479652, MONDO:0044738, OMIM 617557.

Submissions (4):

GeneDx
Classification: Pathogenic. Last evaluated: 2026-03-12. Review status: criteria provided, single submitter. Criteria: GeneDx Variant Classification Process June 2021. Collection method: clinical testing. Allele origin: germline.
Comment: Not observed at significant frequency in large population cohorts (gnomAD); In silico analysis supports that this missense variant has a deleterious effect on protein structure/function; This variant is associated with the following publications: (PMID: 35829845, 36549658, 34729769, 34871783, Reilly2022[thesis], 37658636, 33369188)

Genomic Medicine Center of Excellence, King Faisal Specialist Hospital and Research Centre
Classification: Likely pathogenic for Gabriele de Vries syndrome. Last evaluated: 2025-09-10. Review status: criteria provided, single submitter. Criteria: ACMG Guidelines, 2015. Collection method: clinical testing. Allele origin: germline.

Greenwood Genetic Center Diagnostic Laboratories, Greenwood Genetic Center
Classification: Pathogenic. Last evaluated: 2020-12-21. Review status: criteria provided, single submitter. Criteria: ACMG Guidelines, 2015. Collection method: clinical testing. Allele origin: germline. Affected: yes.
Comment: PS2, PP2, PP3, PM1, PM2

Laboratoire de Génétique Moléculaire, CHU Bordeaux
Classification: Pathogenic. Review status: criteria provided, single submitter. Criteria: ACMG Guidelines, 2015. Collection method: clinical testing. Allele origin: germline. Affected: yes.

NM_003403.5(YY1):c.1124G>A (p.Arg375Gln)

Gene: YY1 (YY1 transcription factor; plus strand). Cytogenetic location: 14q32.2.
Variant type: single nucleotide variant.
Coding change: c.1124G>A on transcript NM_003403.5 (MANE Select); coding-DNA position 1124, G replaced by A.
Protein change: p.Arg375Gln; replaces arginine 375 with glutamine.
Molecular consequence: missense variant.
Genome position (GRCh38, 1-based): chr14:100,277,479, G>A. VCF-style: chr14-100277479-G-A. GRCh37 (hg19) VCF-style: chr14-100743816-G-A.
Other names: c.1124G>A (NM_003403.4); short protein forms R375Q.
Identifiers: ClinVar variation 1331552 (VCV001331552.8), dbSNP rs2139605796, ClinGen allele CA390969459.